The following is an entry in ClinVar:

ClinVar aggregate classification (germline): Uncertain significance. Review status: criteria provided, multiple submitters, no conflicts (2 of 4 stars). 2 submissions from 2 submitters: Uncertain significance (2). Last evaluated 2026-01-20.

Conditions:
Hereditary cancer-predisposing syndrome. Also called: Tumor predisposition; Hereditary Cancer Syndrome; Hereditary neoplastic syndrome; Neoplastic Syndromes, Hereditary. Identifiers: Orphanet 140162, MedGen C0027672, MeSH D009386, MONDO:0015356.
POLD1-related polyposis and colorectal cancer syndrome (CRCS10). Also called: Colorectal cancer 10; COLORECTAL CANCER, SUSCEPTIBILITY TO, ON CHROMOSOME 19q; Colorectal cancer, susceptibility to, 10. Identifiers: Orphanet 220460, MedGen C2675481, MONDO:0012953, OMIM 612591.

Submissions (2):

Labcorp Genetics (formerly Invitae), Labcorp
Classification: Uncertain significance for POLD1-related polyposis and colorectal cancer syndrome. Last evaluated: 2026-01-20. Review status: criteria provided, single submitter. Criteria: Invitae Variant Classification Sherloc (09022015). Collection method: clinical testing. Allele origin: germline.
Comment: This sequence change replaces threonine, which is neutral and polar, with serine, which is neutral and polar, at codon 495 of the POLD1 protein (p.Thr495Ser). This variant is not present in population databases (gnomAD no frequency). This variant has not been reported in the literature in individuals affected with POLD1-related conditions. ClinVar contains an entry for this variant (Variation ID: 1047604). Invitae Evidence Modeling of protein sequence and biophysical properties (such as structural, functional, and spatial information, amino acid conservation, physicochemical variation, residue mobility, and thermodynamic stability) indicates that this missense variant is not expected to disrupt POLD1 protein function with a negative predictive value of 80%. In summary, the available evidence is currently insufficient to determine the role of this variant in disease. Therefore, it has been classified as a Variant of Uncertain Significance.

Ambry Genetics
Classification: Uncertain significance for Hereditary cancer-predisposing syndrome. Last evaluated: 2021-07-30. Review status: criteria provided, single submitter. Criteria: Ambry Variant Classification Scheme 2023. Collection method: clinical testing. Allele origin: germline.
Comment: The p.T495S variant (also known as c.1484C>G), located in coding exon 11 of the POLD1 gene, results from a C to G substitution at nucleotide position 1484. The threonine at codon 495 is replaced by serine, an amino acid with similar properties. This amino acid position is conserved. In addition, this alteration is predicted to be tolerated by in silico analysis. Since supporting evidence is limited at this time, the clinical significance of this alteration remains unclear.

NM_002691.4(POLD1):c.1484C>G (p.Thr495Ser)

Gene: POLD1 (DNA polymerase delta 1, catalytic subunit; plus strand). Cytogenetic location: 19q13.33.
Variant type: single nucleotide variant.
Coding change: c.1484C>G on transcript NM_002691.4 (MANE Select); coding-DNA position 1484, C replaced by G.
Protein change: p.Thr495Ser; replaces threonine 495 with serine.
Molecular consequence: missense variant. On other transcripts: non-coding transcript variant (1).
Genome position (GRCh38, 1-based): chr19:50,406,507, C>G. VCF-style: chr19-50406507-C-G. GRCh37 (hg19) VCF-style: chr19-50909764-C-G.
Other names: c.1484C>G, p.Thr495Ser (NM_001256849.1, NM_001308632.1); short protein forms T495S.
Identifiers: ClinVar variation 1047604 (VCV001047604.12), dbSNP rs2038890600, ClinGen allele CA406980311.